The following is an entry in ClinVar:

NM_001267550.2(TTN):c.93991G>A (p.Gly31331Arg)

Genes: TTN (titin; minus strand), TTN-AS1 (TTN antisense RNA 1; plus strand). Cytogenetic location: 2q31.2.
Variant type: single nucleotide variant.
Coding change: c.93991G>A on transcript NM_001267550.2 (MANE Select); coding-DNA position 93991, G replaced by A.
Protein change: p.Gly31331Arg; replaces glycine 31331 with arginine.
Molecular consequence: missense variant.
Genome position (GRCh38, 1-based): chr2:178,547,635, C>T on the plus strand (G>A on the coding strand, the complement: TTN is on the minus strand). VCF-style: chr2-178547635-C-T. GRCh37 (hg19) VCF-style: chr2-179412362-C-T.
Other names: c.89068G>A, p.Gly29690Arg (NM_001256850.1); c.66796G>A, p.Gly22266Arg (NM_003319.4); c.86287G>A, p.Gly28763Arg (NM_133378.4); c.67171G>A, p.Gly22391Arg (NM_133432.3); c.67372G>A, p.Gly22458Arg (NM_133437.4); short protein forms G22266R, G31331R, G22458R, G28763R, G29690R, G22391R.
Identifiers: ClinVar variation 698160 (VCV000698160.13), dbSNP rs377660595, ClinGen allele CA1987217.

ClinVar aggregate classification (germline): Conflicting classifications of pathogenicity. Review status: criteria provided, conflicting classifications (1 of 4 stars). 2 submissions from 2 submitters: Uncertain significance (1); Likely benign (1). Last evaluated 2025-10-03.

Conditions:
Dilated cardiomyopathy 1G (CMD1G). Identifiers: Orphanet 154, MedGen C1858763, MONDO:0011400, OMIM 604145.
Autosomal recessive limb-girdle muscular dystrophy type 2J (LGMDR10). Also called: MUSCULAR DYSTROPHY, LIMB-GIRDLE, AUTOSOMAL RECESSIVE 10; Limb-girdle muscular dystrophy, type 2J. Identifiers: Orphanet 140922, MedGen C1837342, MONDO:0012127, OMIM 608807.
Cardiovascular phenotype. Identifiers: MedGen CN230736.

Allele frequency attached by ClinVar (database versions not stated): gnomAD 0.00001 and 0.00004; TOPMed 0.00001; ESP Exome Variant Server 0.00008; gnomAD exomes 0.00010 and 0.00018; 1000 Genomes Project 30x 0.00016; 1000 Genomes Project 0.00020; ExAC 0.00022.
gnomAD v4.1: 152 of 1,613,886 alleles (0.0094%); highest among the groups gnomAD compares: South Asian, 0.11%; no homozygotes.

Submissions (2):

Labcorp Genetics (formerly Invitae), Labcorp
Classification: Likely benign for Dilated cardiomyopathy 1G; Autosomal recessive limb-girdle muscular dystrophy type 2J. Last evaluated: 2025-10-03. Review status: criteria provided, single submitter. Criteria: Invitae Variant Classification Sherloc (09022015). Collection method: clinical testing. Allele origin: germline.

Ambry Genetics
Classification: Uncertain significance for Cardiovascular phenotype. Last evaluated: 2020-01-09. Review status: criteria provided, single submitter. Criteria: Ambry Variant Classification Scheme 2023. Collection method: clinical testing. Allele origin: germline.
Comment: The p.G22266R variant (also known as c.66796G>A), located in coding exon 166 of the TTN gene, results from a G to A substitution at nucleotide position 66796. The glycine at codon 22266 is replaced by arginine, an amino acid with dissimilar properties. This amino acid position is poorly conserved in available vertebrate species. In addition, this alteration is predicted to be tolerated by in silico analysis. Since supporting evidence is limited at this time, the clinical significance of this alteration remains unclear.